The following is an entry in ClinVar:

NM_007294.4(BRCA1):c.5145del (p.Tyr1716fs)

Gene: BRCA1 (BRCA1 DNA repair associated; minus strand). Cytogenetic location: 17q21.31.
Variant type: Deletion.
Coding change: c.5145del on transcript NM_007294.4 (MANE Select); coding-DNA position 5145, one base deleted (C; older notation c.5145delC).
Protein change: p.Tyr1716fs; shifts the reading frame from tyrosine 1716.
Molecular consequence: frameshift variant. On other transcripts: non-coding transcript variant (1).
Genome position (GRCh38, 1-based): chr17:43,063,881, G deleted on the plus strand (C on the coding strand, the reverse complement: BRCA1 is on the minus strand). VCF-style (leftmost placement, unchanged base first): chr17-43063880-AG-A. GRCh37 (hg19) VCF-style: chr17-41215897-AG-A.
Other names: 5264delC; c.4932delC, p.Tyr1645Ilefs (NM_001407571.1, NM_001407894.1, NM_001407895.1 and 12 more transcripts); c.5211delC, p.Tyr1738Ilefs (NM_001407581.1, NM_001407582.1); c.5208delC, p.Tyr1737Ilefs (NM_001407583.1, NM_001407585.1, NM_001407587.1); c.5205delC, p.Tyr1736Ilefs (NM_001407590.1, NM_001407591.1); c.5145delC, p.Tyr1716Ilefs (NM_001407593.1, NM_001407594.1, NM_001407596.1 and 7 more transcripts); c.5142delC, p.Tyr1715Ilefs (NM_001407610.1, NM_001407611.1, NM_001407612.1 and 17 more transcripts); c.5139delC, p.Tyr1714Ilefs (NM_001407627.1, NM_001407628.1, NM_001407629.1 and 14 more transcripts); and 76 more; short protein forms Y1669fs, Y612fs, Y1716fs, Y1737fs.
Identifiers: ClinVar variation 125765 (VCV000125765.6), dbSNP rs80357870, ClinGen allele CA003269.
Genomic context (GRCh38, chr17:43,063,880, plus strand): 5'-AAATGCAATTCTGAGGTGTTAAAGGGAGGAGGGGAGAAATAGTATTATACTTACAGAAAT[AG>A]CTAACTACCCATTTTCCTCCCGCAATTCCTAGAAAATATTTCAGTGTCCGTTCACACACA-3'

ClinVar aggregate classification (germline): Pathogenic. Review status: reviewed by expert panel (3 of 4 stars). 4 submissions from 4 submitters: Pathogenic (1). 3 of the submissions do not count toward it. Last evaluated 2016-09-08.

Conditions:
Hereditary breast ovarian cancer syndrome. Also called: Hereditary breast and/or ovarian cancer syndrome; Breast and ovarian cancer; Hereditary breast and ovarian cancer syndrome; Hereditary breast and ovarian cancer; Hereditary breast and ovarian cancer syndrome (HBOC); BRCA1- and BRCA2-Associated Hereditary Breast and Ovarian Cancer. Identifiers: Orphanet 145, MedGen C0677776, MeSH D061325, MONDO:0003582. Disease mechanism: loss of function.
Breast-ovarian cancer, familial, susceptibility to, 1 (BROVCA1). Also called: BRCA1 Hereditary Breast and Ovarian Cancer; OVARIAN CANCER, SUSCEPTIBILITY TO. Identifiers: Orphanet 145, MedGen C2676676, MONDO:0011450, OMIM 604370. Disease mechanism: loss of function.

Submissions (4):

Evidence-based Network for the Interpretation of Germline Mutant Alleles (ENIGMA)
Classification: Pathogenic for Breast-ovarian cancer, familial, susceptibility to, 1. Last evaluated: 2016-09-08. Review status: reviewed by expert panel. Criteria: ENIGMA BRCA1/2 Classification Criteria (2015). Collection method: curation. Allele origin: germline.
Comment: Variant allele predicted to encode a truncated non-functional protein.

Women's Health and Genetics/Laboratory Corporation of America, LabCorp
Classification: Pathogenic for Hereditary breast ovarian cancer syndrome. Last evaluated: 2026-01-15. Review status: criteria provided, single submitter. Criteria: LabCorp Variant Classification Summary - May 2015. Collection method: clinical testing. Allele origin: germline. Not counted in ClinVar's aggregate classification.
Comment: Variant summary: BRCA1 c.5145delC (p.Tyr1716IlefsX4) results in a premature termination codon, predicted to cause a truncation of the encoded protein or absence of the protein due to nonsense mediated decay, which are commonly known mechanisms for disease. The variant was absent in 251300 control chromosomes. To our knowledge, no occurrence of c.5145delC in individuals affected with BRCA1-related conditions and no experimental evidence demonstrating its impact on protein function have been reported. ClinVar contains an entry for this variant (Variation ID: 125765). Based on the evidence outlined above, the variant was classified as pathogenic.

Labcorp Genetics (formerly Invitae), Labcorp
Classification: Pathogenic for Hereditary breast ovarian cancer syndrome. Last evaluated: 2024-06-24. Review status: criteria provided, single submitter. Criteria: Invitae Variant Classification Sherloc (09022015). Collection method: clinical testing. Allele origin: germline. Not counted in ClinVar's aggregate classification.
Comment: This sequence change creates a premature translational stop signal (p.Tyr1716Ilefs*4) in the BRCA1 gene. It is expected to result in an absent or disrupted protein product. Loss-of-function variants in BRCA1 are known to be pathogenic (PMID: 20104584). This variant is not present in population databases (gnomAD no frequency). This premature translational stop signal has been observed in individual(s) with breast cancer (PMID: 20859677). ClinVar contains an entry for this variant (Variation ID: 125765). For these reasons, this variant has been classified as Pathogenic.

Breast Cancer Information Core (BIC) (BRCA1)
Classification: Pathogenic for Breast-ovarian cancer, familial 1. Last evaluated: 2003-12-23. Review status: no assertion criteria provided. Collection method: clinical testing. Allele origin: germline. Affected: yes. Observed: 1 variant allele. Not counted in ClinVar's aggregate classification.

Literature cited by the submitters: PubMed 20104584 (cited by Labcorp Genetics (formerly Invitae), Labcorp); PubMed 20859677 (cited by Labcorp Genetics (formerly Invitae), Labcorp).